The following is an entry in ClinVar:

ClinVar aggregate classification (germline): Uncertain significance (1 of 4 stars; one submission).

Conditions:
LAMA2-related muscular dystrophy (LAMA2-RD). Also called: Laminin alpha 2-related dystrophy. Identifiers: MedGen C5679788, MONDO:0100228.

Allele frequency attached by ClinVar (database versions not stated): ExAC 0.00001; gnomAD 0.00001; gnomAD exomes 0.00001; TOPMed 0.00001.
gnomAD v4.1: 39 of 1,613,984 alleles (0.0024%); highest among the groups gnomAD compares: Non-Finnish European, 0.0028%; no homozygotes.

Submission:

Labcorp Genetics (formerly Invitae), Labcorp
Classification: Uncertain significance for LAMA2-related muscular dystrophy. Last evaluated: 2022-07-25. Review status: criteria provided, single submitter. Criteria: Invitae Variant Classification Sherloc (09022015). Collection method: clinical testing. Allele origin: germline.
Comment: This sequence change replaces leucine, which is neutral and non-polar, with phenylalanine, which is neutral and non-polar, at codon 871 of the LAMA2 protein (p.Leu871Phe). This variant is present in population databases (rs748544439, gnomAD 0.002%). This variant has not been reported in the literature in individuals affected with LAMA2-related conditions. ClinVar contains an entry for this variant (Variation ID: 477456). Advanced modeling of protein sequence and biophysical properties (such as structural, functional, and spatial information, amino acid conservation, physicochemical variation, residue mobility, and thermodynamic stability) performed at Invitae indicates that this missense variant is not expected to disrupt LAMA2 protein function. In summary, the available evidence is currently insufficient to determine the role of this variant in disease. Therefore, it has been classified as a Variant of Uncertain Significance.

NM_000426.4(LAMA2):c.2611C>T (p.Leu871Phe)

Gene: LAMA2 (laminin subunit alpha 2; plus strand). Cytogenetic location: 6q22.33.
Variant type: single nucleotide variant.
Coding change: c.2611C>T on transcript NM_000426.4 (MANE Select); coding-DNA position 2611, C replaced by T.
Protein change: p.Leu871Phe; replaces leucine 871 with phenylalanine.
Molecular consequence: missense variant.
Genome position (GRCh38, 1-based): chr6:129,287,920, C>T. VCF-style: chr6-129287920-C-T. GRCh37 (hg19) VCF-style: chr6-129609065-C-T.
Other names: c.2611C>T, p.Leu871Phe (NM_001079823.2); short protein forms L871F.
Identifiers: ClinVar variation 477456 (VCV000477456.2), dbSNP rs748544439, ClinGen allele CA3993017.